The following is an entry in ClinVar:

ClinVar aggregate classification (germline): Uncertain significance (1 of 4 stars; one submission).

Conditions:
Chédiak-Higashi syndrome (CHS). Also called: Chediak-Higashi Syndrome. Identifiers: Orphanet 167, MedGen C0007965, MONDO:0008963, OMIM 214500.

gnomAD v4.1: 6 of 1,613,602 alleles (0.00037%); highest among the groups gnomAD compares: Non-Finnish European, 0.00051%; no homozygotes.

Submission:

Labcorp Genetics (formerly Invitae), Labcorp
Classification: Uncertain significance for Chédiak-Higashi syndrome. Last evaluated: 2024-11-26. Review status: criteria provided, single submitter. Criteria: Invitae Variant Classification Sherloc (09022015). Collection method: clinical testing. Allele origin: germline.
Comment: This sequence change replaces glutamic acid, which is acidic and polar, with lysine, which is basic and polar, at codon 1219 of the LYST protein (p.Glu1219Lys). This variant is not present in population databases (gnomAD no frequency). This variant has not been reported in the literature in individuals affected with LYST-related conditions. Invitae Evidence Modeling of protein sequence and biophysical properties (such as structural, functional, and spatial information, amino acid conservation, physicochemical variation, residue mobility, and thermodynamic stability) indicates that this missense variant is not expected to disrupt LYST protein function with a negative predictive value of 80%. In summary, the available evidence is currently insufficient to determine the role of this variant in disease. Therefore, it has been classified as a Variant of Uncertain Significance.

NM_000081.4(LYST):c.3655G>A (p.Glu1219Lys)

Gene: LYST (lysosomal trafficking regulator; minus strand). Cytogenetic location: 1q42.3.
Variant type: single nucleotide variant.
Coding change: c.3655G>A on transcript NM_000081.4 (MANE Select); coding-DNA position 3655, G replaced by A.
Protein change: p.Glu1219Lys; replaces glutamic acid 1219 with lysine.
Molecular consequence: missense variant.
Genome position (GRCh38, 1-based): chr1:235,802,965, C>T on the plus strand (G>A on the coding strand, the complement: LYST is on the minus strand). VCF-style: chr1-235802965-C-T. GRCh37 (hg19) VCF-style: chr1-235966265-C-T.
Other names: c.3655G>A, p.Glu1219Lys (NM_001301365.1); short protein forms E1219K.
Identifiers: ClinVar variation 3605989 (VCV003605989.2).